The following is an entry in ClinVar:

ClinVar aggregate classification (germline): Conflicting classifications of pathogenicity. Review status: criteria provided, conflicting classifications (1 of 4 stars). 2 submissions from 2 submitters: Uncertain significance (1); Likely benign (1). Last evaluated 2020-12-22.

Conditions:
Hereditary cancer-predisposing syndrome. Also called: Hereditary neoplastic syndrome; Neoplastic Syndromes, Hereditary; Tumor predisposition; Hereditary Cancer Syndrome. Identifiers: Orphanet 140162, MedGen C0027672, MeSH D009386, MONDO:0015356.

gnomAD v4.1: 1 of 1,614,120 alleles (0.000062%); highest among the groups gnomAD compares: Non-Finnish European, 0.000085%; no homozygotes.

Submissions (2):

Labcorp Genetics (formerly Invitae), Labcorp
Classification: Uncertain significance. Last evaluated: 2020-12-22. Review status: criteria provided, single submitter. Criteria: Invitae Variant Classification Sherloc (09022015). Collection method: clinical testing. Allele origin: germline.
Comment: This sequence change replaces serine with threonine at codon 225 of the MSH3 protein (p.Ser225Thr). The serine residue is moderately conserved and there is a small physicochemical difference between serine and threonine. This variant is not present in population databases (ExAC no frequency). This variant has not been reported in the literature in individuals with MSH3-related conditions. Algorithms developed to predict the effect of missense changes on protein structure and function output the following: SIFT: "Tolerated"; PolyPhen-2: "Benign"; Align-GVGD: "Class C0". The threonine amino acid residue is found in multiple mammalian species, suggesting that this missense change does not adversely affect protein function. These predictions have not been confirmed by published functional studies and their clinical significance is uncertain. In summary, the available evidence is currently insufficient to determine the role of this variant in disease. Therefore, it has been classified as a Variant of Uncertain Significance.

Ambry Genetics
Classification: Likely benign for Hereditary cancer-predisposing syndrome. Last evaluated: 2020-12-11. Review status: criteria provided, single submitter. Criteria: Ambry Variant Classification Scheme 2023. Collection method: clinical testing. Allele origin: germline.

NM_002439.5(MSH3):c.673T>A (p.Ser225Thr)

Gene: MSH3 (mutS homolog 3; plus strand). Cytogenetic location: 5q14.1.
Variant type: single nucleotide variant.
Coding change: c.673T>A on transcript NM_002439.5 (MANE Select); coding-DNA position 673, T replaced by A.
Protein change: p.Ser225Thr; replaces serine 225 with threonine.
Molecular consequence: missense variant.
Genome position (GRCh38, 1-based): chr5:80,670,190, T>A. VCF-style: chr5-80670190-T-A. GRCh37 (hg19) VCF-style: chr5-79966009-T-A.
Other names: short protein forms S225T.
Identifiers: ClinVar variation 1510494 (VCV001510494.10), dbSNP rs1749673003, ClinGen allele CA360266711.
Genomic context (GRCh38, chr5:80,670,190, plus strand): 5'-TCATCAAATACAAGTCATGAAAATTTACAGAAAACTGCTTCCAAATCAGCTAACAAACGG[T>A]CCAAAAGCATCTATACGCCGCTAGAATTACAATACATAGAAATGAAGCAGCAGCACAAAG-3'
Protein context (NP_002430.3, residues 215-235): KTASKSANKR[Ser225Thr]KSIYTPLELQ